The following is an entry in ClinVar:

ClinVar aggregate classification (germline): Uncertain significance. Review status: criteria provided, multiple submitters, no conflicts (2 of 4 stars). 10 submissions from 10 submitters: Uncertain significance (9). 1 of the submissions does not count toward it. Last evaluated 2026-02-03.

Conditions:
Hereditary cancer-predisposing syndrome. Also called: Neoplastic Syndromes, Hereditary; Hereditary Cancer Syndrome; Tumor predisposition; Hereditary neoplastic syndrome. Identifiers: Orphanet 140162, MedGen C0027672, MeSH D009386, MONDO:0015356.
Bloom syndrome (BLM). Also called: Bloom-Torre-Machacek syndrome. Identifiers: Orphanet 125, MedGen C0005859, MONDO:0008876, OMIM 210900.

Allele frequency attached by ClinVar (database versions not stated): ExAC 0.00003; gnomAD 0.00005; ESP Exome Variant Server 0.00008; TOPMed 0.00003; gnomAD exomes 0.00003.
gnomAD v4.1: 33 of 1,614,060 alleles (0.002%); highest among the groups gnomAD compares: Admixed American, 0.0033%; no homozygotes.

Submissions (10):

Labcorp Genetics (formerly Invitae), Labcorp
Classification: Uncertain significance for Bloom syndrome. Last evaluated: 2026-02-03. Review status: criteria provided, single submitter. Criteria: Invitae Variant Classification Sherloc (09022015). Collection method: clinical testing. Allele origin: germline.
Comment: This sequence change replaces glutamine, which is neutral and polar, with arginine, which is basic and polar, at codon 123 of the BLM protein (p.Gln123Arg). The frequency data for this variant in the population databases is considered unreliable, as metrics indicate poor data quality at this position in the gnomAD database. This missense change has been observed in individual(s) with prostate cancer (PMID: 25111073). ClinVar contains an entry for this variant (Variation ID: 127503). An algorithm developed to predict the effect of missense changes on protein structure and function outputs the following: PolyPhen-2: "Benign". The arginine amino acid residue is found in multiple mammalian species, which suggests that this missense change does not adversely affect protein function. In summary, the available evidence is currently insufficient to determine the role of this variant in disease. Therefore, it has been classified as a Variant of Uncertain Significance.

GeneDx
Classification: Uncertain significance. Last evaluated: 2025-11-05. Review status: criteria provided, single submitter. Criteria: GeneDx Variant Classification Process June 2021. Collection method: clinical testing. Allele origin: germline. Affected: yes.
Comment: Observed in a family with prostate cancer, however evidence in support of pathogenicity for this variant was not provided in the report (PMID: 25111073); Not observed at significant frequency in large population cohorts (gnomAD); In silico analysis suggests that this missense variant does not alter protein structure/function; This variant is associated with the following publications: (PMID: 40008663, 25111073)

Quest Diagnostics Nichols Institute San Juan Capistrano
Classification: Uncertain significance. Last evaluated: 2025-07-12. Review status: criteria provided, single submitter. Criteria: Quest Diagnostics criteria. Collection method: clinical testing. Allele origin: unknown.
Comment: The BLM c.368A>G (p.Gln123Arg) variant has been reported in the published literature in affected members of a family with prostate cancer who also carried variants in other genes (PMID: 25111073 (2014)). The frequency of this variant in the general population (Genome Aggregation Database) is uninformative in the assessment of its pathogenicity. Analysis of this variant using bioinformatics tools for the prediction of the effect of amino acid changes on protein structure and function yielded predictions that this variant is benign. Based on the available information, we are unable to determine the clinical significance of this variant.

Dasa
Classification: Uncertain significance. Last evaluated: 2025-05-30. Review status: criteria provided, single submitter. Criteria: DASA Assertion Criteria. Collection method: clinical testing. Allele origin: germline.
Comment: NM_000057.4(BLM):c.368A>G (p.Gln123Arg) is a missense variant that results in the substitution of glutamine with arginine. This variant is rare in population databases. Computational prediction algorithms are consistent with a benign effect. The currently available literature and clinical evidence are not sufficient to establish a definitive association between this variant and the reported condition. Therefore, this variant is classified as a variant of uncertain significance.

Women's Health and Genetics/Laboratory Corporation of America, LabCorp
Classification: Uncertain significance. Last evaluated: 2024-10-14. Review status: criteria provided, single submitter. Criteria: LabCorp Variant Classification Summary - May 2015. Collection method: clinical testing. Allele origin: germline.
Comment: Variant summary: BLM c.368A>G (p.Gln123Arg) results in a conservative amino acid change in the encoded protein sequence. Five of five in-silico tools predict a benign effect of the variant on protein function. The variant allele was found at a frequency of 3.2e-05 in 251252 control chromosomes. The available data on variant occurrences in the general population are insufficient to allow any conclusion about variant significance. c.368A>G has been reported in the literature in individuals affected with Cancer (Johnson_2014). These report(s) do not provide unequivocal conclusions about association of the variant with Bloom Syndrome. To our knowledge, no experimental evidence demonstrating an impact on protein function has been reported. The following publication have been ascertained in the context of this evaluation (PMID: 25111073). ClinVar contains an entry for this variant (Variation ID: 127503). Based on the evidence outlined above, the variant was classified as uncertain significance.

Revvity Omics, Revvity
Classification: Uncertain significance for Bloom syndrome. Last evaluated: 2024-09-22. Review status: criteria provided, single submitter. Criteria: ACMG Guidelines, 2015. Collection method: clinical testing. Allele origin: germline.

Ambry Genetics
Classification: Uncertain significance for Hereditary cancer-predisposing syndrome. Last evaluated: 2023-07-14. Review status: criteria provided, single submitter. Criteria: Ambry Variant Classification Scheme 2023. Collection method: clinical testing. Allele origin: germline.
Comment: The p.Q123R variant (also known as c.368A>G), located in coding exon 2 of the BLM gene, results from an A to G substitution at nucleotide position 368. The glutamine at codon 123 is replaced by arginine, an amino acid with highly similar properties. This variant segregated with disease in three individuals from a familial prostate cancer family; however, three variants in other genes also co-segregated with prostate cancer in this family (Johnson AM et al. Prostate 2014 Oct;74(14):1371-8). This amino acid position is not well conserved in available vertebrate species. In addition, this alteration is predicted to be tolerated by in silico analysis. Since supporting evidence is limited at this time, the clinical significance of this alteration remains unclear.

Institute for Clinical Genetics, University Hospital TU Dresden, University Hospital TU Dresden
Classification: Uncertain significance. Last evaluated: 2021-11-03. Review status: criteria provided, single submitter. Criteria: ACMG Guidelines, 2015. Collection method: clinical testing. Allele origin: germline.

Fulgent Genetics
Classification: Uncertain significance for Bloom syndrome. Last evaluated: 2018-10-31. Review status: criteria provided, single submitter. Criteria: ACMG Guidelines, 2015. Collection method: clinical testing. Allele origin: unknown.

Natera, Inc.
Classification: Uncertain significance for Bloom syndrome. Last evaluated: 2020-09-16. Review status: no assertion criteria provided. Collection method: clinical testing. Allele origin: germline. Not counted in ClinVar's aggregate classification.

Literature cited by the submitters: PubMed 25111073 (cited by 4 submitters).

NM_000057.4(BLM):c.368A>G (p.Gln123Arg)

Gene: BLM (BLM RecQ like helicase; plus strand). Cytogenetic location: 15q26.1.
Variant type: single nucleotide variant.
Coding change: c.368A>G on transcript NM_000057.4 (MANE Select); coding-DNA position 368, A replaced by G.
Protein change: p.Gln123Arg; replaces glutamine 123 with arginine.
Molecular consequence: missense variant. On other transcripts: 5 prime UTR variant (1).
Genome position (GRCh38, 1-based): chr15:90,749,636, A>G. VCF-style: chr15-90749636-A-G. GRCh37 (hg19) VCF-style: chr15-91292866-A-G.
Other names: p.Q123R:CAA>CGA; c.368A>G, p.Gln123Arg (NM_001287246.2, NM_001287247.2); c.-924A>G (NM_001287248.2); c.368A>G (LRG_20t1); short protein forms Q123R.
Identifiers: ClinVar variation 127503 (VCV000127503.24), dbSNP rs371223446, ClinGen allele CA287112.